The following is an entry in ClinVar:

ClinVar aggregate classification (germline): Uncertain significance (1 of 4 stars; one submission).

Conditions:
Usher syndrome. Also called: Usher Syndromes; Usher's syndrome. Identifiers: Orphanet 886, MedGen CN469326, MeSH D052245, MONDO:0019501. Disease mechanism: loss of function.

gnomAD v4.1: 2 of 1,579,724 alleles (0.00013%); highest among the groups gnomAD compares: Middle Eastern, 0.018%; no homozygotes.

Submission:

Lab De Baere, Eye and Developmental Genetics Lab, Ghent University
Classification: Uncertain significance for Retinitis pigmentosa-deafness syndrome. Last evaluated: 2024-10-01. Review status: criteria provided, single submitter. Criteria: ACMG Guidelines, 2015. Collection method: research. Allele origin: inherited. Affected: yes. Observed: 1 variant allele.
Comment: ACMG/AMP guidelines: PM2, BP4

NM_004523.4(KIF11):c.1877A>G (p.Asn626Ser)

Gene: KIF11 (kinesin family member 11; plus strand). Cytogenetic location: 10q23.33.
Variant type: single nucleotide variant.
Coding change: c.1877A>G on transcript NM_004523.4 (MANE Select); coding-DNA position 1877, A replaced by G.
Protein change: p.Asn626Ser; replaces asparagine 626 with serine.
Molecular consequence: missense variant.
Genome position (GRCh38, 1-based): chr10:92,637,185, A>G. VCF-style: chr10-92637185-A-G. GRCh37 (hg19) VCF-style: chr10-94396942-A-G.
Other names: short protein forms N626S.
Identifiers: ClinVar variation 3544451 (VCV003544451.1).